The following is an entry in ClinVar:

NM_007294.4(BRCA1):c.4102G>A (p.Ala1368Thr)

Gene: BRCA1 (BRCA1 DNA repair associated; minus strand). Cytogenetic location: 17q21.31.
Variant type: single nucleotide variant.
Coding change: c.4102G>A on transcript NM_007294.4 (MANE Select); coding-DNA position 4102, G replaced by A.
Protein change: p.Ala1368Thr; replaces alanine 1368 with threonine.
Molecular consequence: missense variant. On other transcripts: non-coding transcript variant (1).
Genome position (GRCh38, 1-based): chr17:43,091,027, C>T on the plus strand (G>A on the coding strand, the complement: BRCA1 is on the minus strand). VCF-style: chr17-43091027-C-T. GRCh37 (hg19) VCF-style: chr17-41243044-C-T.
Other names: c.670G>A, p.Ala224Thr (NM_001408429.1, NM_001408430.1, NM_001408436.1 and 12 more transcripts); c.673G>A, p.Ala225Thr (NM_001408431.1, NM_001408421.1, NM_001408424.1); c.667G>A, p.Ala223Thr (NM_001408448.1, NM_001408435.1, NM_001408432.1 and 6 more transcripts); c.583G>A, p.Ala195Thr (NM_001408484.1, NM_001408485.1, NM_001408481.1 and 9 more transcripts); c.580G>A, p.Ala194Thr (NM_001408490.1, NM_001408491.1, NM_001408493.1); c.553G>A, p.Ala185Thr (NM_001408494.1); c.550G>A, p.Ala184Thr (NM_001408495.1); c.529G>A, p.Ala177Thr (NM_001408496.1, NM_001408497.1, NM_001408498.1 and 3 more transcripts); and 40 more; short protein forms A1368T, A265T, A1321T, A1072T, A1279T, A1297T, A1327T, A137T.
Identifiers: ClinVar variation 423494 (VCV000423494.12), dbSNP rs1064796463, ClinGen allele CA10593521.

ClinVar aggregate classification (germline): Uncertain significance. Review status: criteria provided, multiple submitters, no conflicts (2 of 4 stars). 2 submissions from 2 submitters: Uncertain significance (2). Last evaluated 2020-06-30.

Conditions:
Hereditary breast ovarian cancer syndrome. Also called: BRCA1- and BRCA2-Associated Hereditary Breast and Ovarian Cancer; Hereditary breast and/or ovarian cancer syndrome; Hereditary breast and ovarian cancer syndrome; Hereditary breast and ovarian cancer; Hereditary breast and ovarian cancer syndrome (HBOC); Breast and ovarian cancer. Identifiers: Orphanet 145, MedGen C0677776, MeSH D061325, MONDO:0003582. Disease mechanism: loss of function.

Allele frequency attached by ClinVar (database versions not stated): gnomAD exomes below 0.00001.
gnomAD v4.1: 1 of 1,611,956 alleles (0.000062%); highest among the groups gnomAD compares: Non-Finnish European, 0.000085%; no homozygotes.

Submissions (2):

Labcorp Genetics (formerly Invitae), Labcorp
Classification: Uncertain significance for Hereditary breast ovarian cancer syndrome. Last evaluated: 2020-06-30. Review status: criteria provided, single submitter. Criteria: Invitae Variant Classification Sherloc (09022015). Collection method: clinical testing. Allele origin: germline.
Comment: In summary, the available evidence is currently insufficient to determine the role of this variant in disease. Therefore, it has been classified as a Variant of Uncertain Significance. Algorithms developed to predict the effect of missense changes on protein structure and function (SIFT, PolyPhen-2, Align-GVGD) all suggest that this variant is likely to be tolerated, but these predictions have not been confirmed by published functional studies and their clinical significance is uncertain. This variant has been observed in individual(s) with breast cancer (PMID: 30287823). ClinVar contains an entry for this variant (Variation ID: 423494). This variant is not present in population databases (ExAC no frequency). This sequence change replaces alanine with threonine at codon 1368 of the BRCA1 protein (p.Ala1368Thr). The alanine residue is moderately conserved and there is a small physicochemical difference between alanine and threonine.

GeneDx
Classification: Uncertain significance. Last evaluated: 2017-02-09. Review status: criteria provided, single submitter. Criteria: GeneDx Variant Classification (06012015). Collection method: clinical testing. Allele origin: germline. Affected: yes.
Comment: This variant is denoted BRCA1 c.4102G>A at the cDNA level, p.Ala1368Thr (A1368T) at the protein level, and results in the change of an Alanine to a Threonine (GCA>ACA). Using alternate nomenclature, this variant would be defined as BRCA1 4221G>A. This variant has not, to our knowledge, been published in the literature as pathogenic or benign. BRCA1 Ala1368Thr was not observed in approximately 6,500 individuals of European and African American ancestry in the NHLBI Exome Sequencing Project, suggesting it is not a common benign variant in these populations. Since Alanine and Threonine differ in polarity, charge, size or other properties, this is considered a non-conservative amino acid substitution. BRCA1 Ala1368Thr occurs at a position that is not conserved and is located in the SCD domain and a region known to interact with multiple proteins (Narod 2004, Clark 2012, Paul 2014). In silico analyses are inconsistent regarding the effect this variant may have on protein structure and function. Based on currently available evidence, it is unclear whether BRCA1 Ala1368Thr is a pathogenic or benign variant. We consider it to be a variant of uncertain significance.

Literature cited by the submitters: PubMed 30287823 (cited by Labcorp Genetics (formerly Invitae), Labcorp).